The following is an entry in ClinVar:

ClinVar aggregate classification (germline): Uncertain significance (1 of 4 stars; one submission).

Conditions:
Neutropenia, severe congenital, 2, autosomal dominant. Identifiers: Orphanet 486, MedGen C2751288, MONDO:0013139, OMIM 613107.

Submission:

Labcorp Genetics (formerly Invitae), Labcorp
Classification: Uncertain significance for Neutropenia, severe congenital, 2, autosomal dominant. Last evaluated: 2023-03-10. Review status: criteria provided, single submitter. Criteria: Invitae Variant Classification Sherloc (09022015). Collection method: clinical testing. Allele origin: germline.
Comment: This variant has not been reported in the literature in individuals affected with GFI1-related conditions. This variant is not present in population databases (gnomAD no frequency). This sequence change replaces glycine, which is neutral and non-polar, with valine, which is neutral and non-polar, at codon 252 of the GFI1 protein (p.Gly252Val). Advanced modeling of protein sequence and biophysical properties (such as structural, functional, and spatial information, amino acid conservation, physicochemical variation, residue mobility, and thermodynamic stability) performed at Invitae indicates that this missense variant is not expected to disrupt GFI1 protein function. In summary, the available evidence is currently insufficient to determine the role of this variant in disease. Therefore, it has been classified as a Variant of Uncertain Significance.

NM_005263.5(GFI1):c.755G>T (p.Gly252Val)

Gene: GFI1 (growth factor independent 1 transcriptional repressor; minus strand). Cytogenetic location: 1p22.1.
Variant type: single nucleotide variant.
Coding change: c.755G>T on transcript NM_005263.5 (MANE Select); coding-DNA position 755, G replaced by T.
Protein change: p.Gly252Val; replaces glycine 252 with valine.
Molecular consequence: missense variant.
Genome position (GRCh38, 1-based): chr1:92,480,632, C>A on the plus strand (G>T on the coding strand, the complement: GFI1 is on the minus strand). VCF-style: chr1-92480632-C-A. GRCh37 (hg19) VCF-style: chr1-92946189-C-A.
Other names: c.755G>T, p.Gly252Val (NM_001127215.3, NM_001127216.3); short protein forms G252V.
Identifiers: ClinVar variation 2844739 (VCV002844739.3), dbSNP rs1557669158, ClinGen allele CA341149018.